The following is an entry in ClinVar:

ClinVar aggregate classification (germline): Uncertain significance. Review status: criteria provided, multiple submitters, no conflicts (2 of 4 stars). 2 submissions from 2 submitters: Uncertain significance (2). Last evaluated 2025-11-13.

Conditions:
Inborn genetic diseases. Identifiers: MedGen C0950123, MeSH D030342.

Allele frequency attached by ClinVar (database versions not stated): gnomAD 0.00005; ExAC 0.00002; gnomAD exomes 0.00003.
gnomAD v4.1: 48 of 1,606,990 alleles (0.003%); highest among the groups gnomAD compares: Admixed American, 0.0051%; no homozygotes.

Submissions (2):

Ambry Genetics
Classification: Uncertain significance for Inborn genetic diseases. Last evaluated: 2025-11-13. Review status: criteria provided, single submitter. Criteria: Ambry Variant Classification Scheme 2023. Collection method: clinical testing. Allele origin: germline.

Labcorp Genetics (formerly Invitae), Labcorp
Classification: Uncertain significance. Last evaluated: 2024-05-19. Review status: criteria provided, single submitter. Criteria: Invitae Variant Classification Sherloc (09022015). Collection method: clinical testing. Allele origin: germline.
Comment: This sequence change replaces valine, which is neutral and non-polar, with glycine, which is neutral and non-polar, at codon 1001 of the ALPK1 protein (p.Val1001Gly). This variant is present in population databases (rs74996127, gnomAD 0.003%). This variant has not been reported in the literature in individuals affected with ALPK1-related conditions. ClinVar contains an entry for this variant (Variation ID: 1978877). Advanced modeling of protein sequence and biophysical properties (such as structural, functional, and spatial information, amino acid conservation, physicochemical variation, residue mobility, and thermodynamic stability) performed at Invitae indicates that this missense variant is expected to disrupt ALPK1 protein function with a positive predictive value of 80%. In summary, the available evidence is currently insufficient to determine the role of this variant in disease. Therefore, it has been classified as a Variant of Uncertain Significance.

NM_025144.4(ALPK1):c.3002T>G (p.Val1001Gly)

Gene: ALPK1 (alpha kinase 1; plus strand). Cytogenetic location: 4q25.
Variant type: single nucleotide variant.
Coding change: c.3002T>G on transcript NM_025144.4 (MANE Select); coding-DNA position 3002, T replaced by G.
Protein change: p.Val1001Gly; replaces valine 1001 with glycine.
Molecular consequence: missense variant.
Genome position (GRCh38, 1-based): chr4:112,432,549, T>G. VCF-style: chr4-112432549-T-G. GRCh37 (hg19) VCF-style: chr4-113353705-T-G.
Other names: c.3002T>G, p.Val1001Gly (NM_001102406.2); c.2768T>G, p.Val923Gly (NM_001253884.2); c.3002T>G (NM_025144.3); short protein forms V1001G, V923G.
Identifiers: ClinVar variation 1978877 (VCV001978877.5), dbSNP rs74996127, ClinGen allele CA3047041.
Genomic context (GRCh38, chr4:112,432,549, plus strand): 5'-AAAAGCTGTTGGCAGGAGTGAGGCATGATTGGCTGTTTCAGAGACTAGAGAATACGGGGG[T>G]TTTTAAGCCCAGTCAACTCCACCGAGCACATAGTAAGTACAATCTTTTCAATAGTTCCCC-3'
Protein context (NP_079420.3, residues 991-1011): WLFQRLENTG[Val1001Gly]FKPSQLHRAH